The following is an entry in ClinVar:

ClinVar aggregate classification (germline): Uncertain significance. Review status: criteria provided, multiple submitters, no conflicts (2 of 4 stars). 6 submissions from 6 submitters: Uncertain significance (6). Last evaluated 2025-10-28.

Conditions:
Gastric cancer. Also called: Stomach cancer; Malignant tumor of stomach. Identifiers: MedGen C0024623, MeSH D013274, MONDO:0001056, OMIM 613659, HP:0012126.
Colorectal cancer. Also called: Colorectal cancer, somatic; Malignant Colorectal Neoplasm. Identifiers: MedGen C0346629, MONDO:0005575, OMIM 114500.
Familial adenomatous polyposis 1 (FAP1). Also called: FAMILIAL ADENOMATOUS POLYPOSIS 1, ATTENUATED; POLYPOSIS, ADENOMATOUS INTESTINAL. Identifiers: MedGen C2713442, MONDO:0021056, OMIM 175100. Disease mechanism: loss of function.
Hepatocellular carcinoma (HCC). Also called: Primary carcinoma of liver; HEPATOMA; LIVER CELL CARCINOMA. Identifiers: Orphanet 88673, MedGen C2239176, MONDO:0007256, OMIM 114550, HP:0001402.
Desmoid disease, hereditary (DESMD). Also called: FIBROMATOSIS, FAMILIAL INFILTRATIVE. Identifiers: Orphanet 873, MedGen C1851124, OMIM 135290. Disease mechanism: loss of function.
Gastric adenocarcinoma and proximal polyposis of the stomach (GAPPS). Also called: Polyposis, gastric, Dos Santos and de Magalhaes 1980; POLYPOSIS, GASTRIC; Gastric Adenocarcinoma and Proximal Polyposis of the Stomach (GAPPS). Identifiers: Orphanet 314022, MedGen C4749917, MONDO:0017790, OMIM 619182.
Hereditary cancer-predisposing syndrome. Also called: Tumor predisposition; Hereditary neoplastic syndrome; Neoplastic Syndromes, Hereditary; Hereditary Cancer Syndrome. Identifiers: Orphanet 140162, MedGen C0027672, MeSH D009386, MONDO:0015356.

Allele frequency attached by ClinVar (database versions not stated): gnomAD exomes below 0.00001; TOPMed below 0.00001.
gnomAD v4.1: 1 of 1,614,218 alleles (0.000062%); highest among the groups gnomAD compares: Middle Eastern, 0.017%; no homozygotes.

Submissions (6):

Color Diagnostics, LLC DBA Color Health
Classification: Uncertain significance for Hereditary cancer-predisposing syndrome. Last evaluated: 2025-10-28. Review status: criteria provided, single submitter. Criteria: ACMG Guidelines, 2015. Collection method: clinical testing. Allele origin: germline.
Comment: This missense variant replaces glutamine with arginine at codon 1041 of the APC protein. Computational prediction suggests that this variant may not impact protein structure and function. To our knowledge, functional studies have not been reported for this variant. This variant has not been reported in individuals affected with APC-related disorders in the literature. This variant has been identified in 1/1461836 chromosomes in the general population by the Genome Aggregation Database (gnomAD). The available evidence is insufficient to determine the role of this variant in disease conclusively. Therefore, this variant is classified as a Variant of Uncertain Significance.

Labcorp Genetics (formerly Invitae), Labcorp
Classification: Uncertain significance for Familial adenomatous polyposis 1. Last evaluated: 2025-10-17. Review status: criteria provided, single submitter. Criteria: Invitae Variant Classification Sherloc (09022015). Collection method: clinical testing. Allele origin: germline.
Comment: This sequence change replaces glutamine, which is neutral and polar, with arginine, which is basic and polar, at codon 1041 of the APC protein (p.Gln1041Arg). This variant is not present in population databases (gnomAD no frequency). This variant has not been reported in the literature in individuals affected with APC-related conditions. ClinVar contains an entry for this variant (Variation ID: 469908). Invitae Evidence Modeling of protein sequence and biophysical properties (such as structural, functional, and spatial information, amino acid conservation, physicochemical variation, residue mobility, and thermodynamic stability) indicates that this missense variant is not expected to disrupt APC protein function with a negative predictive value of 95%. In summary, the available evidence is currently insufficient to determine the role of this variant in disease. Therefore, it has been classified as a Variant of Uncertain Significance.

GeneDx
Classification: Uncertain significance. Last evaluated: 2024-07-02. Review status: criteria provided, single submitter. Criteria: GeneDx Variant Classification Process June 2021. Collection method: clinical testing. Allele origin: germline. Affected: yes.
Comment: Not observed at significant frequency in large population cohorts (gnomAD); In silico analysis indicates that this missense variant does not alter protein structure/function; Has not been previously published as pathogenic or benign to our knowledge

Fulgent Genetics
Classification: Uncertain significance for Colorectal cancer; Hepatocellular carcinoma; Desmoid disease, hereditary; Familial adenomatous polyposis 1; Gastric cancer; Gastric adenocarcinoma and proximal polyposis of the stomach. Last evaluated: 2024-01-03. Review status: criteria provided, single submitter. Criteria: ACMG Guidelines, 2015. Collection method: clinical testing. Allele origin: germline.

Baylor Genetics
Classification: Uncertain significance for Familial adenomatous polyposis 1. Last evaluated: 2023-09-13. Review status: criteria provided, single submitter. Criteria: ACMG Guidelines, 2015. Collection method: clinical testing. Allele origin: unknown.

Ambry Genetics
Classification: Uncertain significance for Hereditary cancer-predisposing syndrome. Last evaluated: 2021-08-05. Review status: criteria provided, single submitter. Criteria: Ambry Variant Classification Scheme 2023. Collection method: clinical testing. Allele origin: germline.
Comment: The p.Q1041R variant (also known as c.3122A>G), located in coding exon 15 of the APC gene, results from an A to G substitution at nucleotide position 3122. The glutamine at codon 1041 is replaced by arginine, an amino acid with highly similar properties. This amino acid position is highly conserved in available vertebrate species. In addition, in silico predictors for this gene do not accurately predict pathogenicity. Since supporting evidence is limited at this time, the clinical significance of this alteration remains unclear.

NM_000038.6(APC):c.3122A>G (p.Gln1041Arg)

Gene: APC (APC regulator of Wnt signaling pathway; plus strand). Cytogenetic location: 5q22.2.
Variant type: single nucleotide variant.
Coding change: c.3122A>G on transcript NM_000038.6 (MANE Select); coding-DNA position 3122, A replaced by G.
Protein change: p.Gln1041Arg; replaces glutamine 1041 with arginine.
Molecular consequence: missense variant.
Genome position (GRCh38, 1-based): chr5:112,838,716, A>G. VCF-style: chr5-112838716-A-G. GRCh37 (hg19) VCF-style: chr5-112174413-A-G.
Other names: c.3122A>G, p.Gln1041Arg (NM_001127510.3, NM_001354895.2); c.3068A>G, p.Gln1023Arg (NM_001127511.3); c.3176A>G, p.Gln1059Arg (NM_001354896.2); c.3152A>G, p.Gln1051Arg (NM_001354897.2); c.3047A>G, p.Gln1016Arg (NM_001354898.2); c.3038A>G, p.Gln1013Arg (NM_001354899.2); c.2999A>G, p.Gln1000Arg (NM_001354900.2); c.2945A>G, p.Gln982Arg (NM_001354901.2); and 5 more; short protein forms Q1041R, Q1023R, Q915R, Q1016R, Q940R, Q950R, Q1013R, Q1059R.
Identifiers: ClinVar variation 469908 (VCV000469908.17), dbSNP rs1554084709, ClinGen allele CA16028174.